The following is an entry in ClinVar:

ClinVar aggregate classification (germline): Conflicting classifications of pathogenicity. Review status: criteria provided, conflicting classifications (1 of 4 stars). 2 submissions from 2 submitters: Uncertain significance (1); Likely benign (1). Last evaluated 2024-04-03.

Conditions:
Inborn genetic diseases. Identifiers: MedGen C0950123, MeSH D030342.

Allele frequency attached by ClinVar (database versions not stated): TOPMed 0.00002; ExAC 0.00003; gnomAD 0.00003; gnomAD exomes 0.00003.
gnomAD v4.1: 46 of 1,613,980 alleles (0.0029%); highest among the groups gnomAD compares: Middle Eastern, 0.033%; no homozygotes.

Submissions (2):

Labcorp Genetics (formerly Invitae), Labcorp
Classification: Uncertain significance. Last evaluated: 2024-04-03. Review status: criteria provided, single submitter. Criteria: Invitae Variant Classification Sherloc (09022015). Collection method: clinical testing. Allele origin: germline.
Comment: This sequence change replaces serine, which is neutral and polar, with proline, which is neutral and non-polar, at codon 629 of the WHSC1 protein (p.Ser629Pro). This variant is present in population databases (rs764506321, gnomAD 0.005%). This variant has not been reported in the literature in individuals affected with WHSC1-related conditions. ClinVar contains an entry for this variant (Variation ID: 2184215). Advanced modeling of protein sequence and biophysical properties (such as structural, functional, and spatial information, amino acid conservation, physicochemical variation, residue mobility, and thermodynamic stability) performed at Invitae indicates that this missense variant is not expected to disrupt WHSC1 protein function with a negative predictive value of 80%. In summary, the available evidence is currently insufficient to determine the role of this variant in disease. Therefore, it has been classified as a Variant of Uncertain Significance.

Ambry Genetics
Classification: Likely benign for Inborn genetic diseases. Last evaluated: 2023-06-22. Review status: criteria provided, single submitter. Criteria: Ambry Variant Classification Scheme 2023. Collection method: clinical testing. Allele origin: germline.

NM_001042424.3(NSD2):c.1885T>C (p.Ser629Pro)

Gene: NSD2 (nuclear receptor binding SET domain protein 2; plus strand). Cytogenetic location: 4p16.3.
Variant type: single nucleotide variant.
Coding change: c.1885T>C on transcript NM_001042424.3 (MANE Select); coding-DNA position 1885, T replaced by C.
Protein change: p.Ser629Pro; replaces serine 629 with proline.
Molecular consequence: missense variant.
Genome position (GRCh38, 1-based): chr4:1,951,075, T>C. VCF-style: chr4-1951075-T-C. GRCh37 (hg19) VCF-style: chr4-1952802-T-C.
Other names: c.1885T>C, p.Ser629Pro (NM_133330.3, NM_133331.3, NM_133335.4); c.1885T>C (NM_133330.2); short protein forms S629P.
Identifiers: ClinVar variation 2184215 (VCV002184215.6), dbSNP rs764506321, ClinGen allele CA2812290.
Genomic context (GRCh38, chr4:1,951,075, plus strand): 5'-TGGCCACCCGCTGTGTTCTGCGACTAGTGAACTGTCATCCGCCTCCTTCATCTCTAGGTC[T>C]CGGACAGCCCGGGAGACGAGCCCTCGGAGTCCCCATACGAAAGTGCAGACGAAACACAAA-3'
Protein context (NP_001035889.1, residues 619-639): PSASLTENEV[Ser629Pro]DSPGDEPSES